The following is an entry in ClinVar:

NM_022662.4(ANAPC1):c.1393C>T (p.Gln465Ter)

Gene: ANAPC1 (anaphase promoting complex subunit 1; minus strand). Cytogenetic location: 2q13.
Variant type: single nucleotide variant.
Coding change: c.1393C>T on transcript NM_022662.4 (MANE Select); coding-DNA position 1393, C replaced by T.
Protein change: p.Gln465Ter; replaces glutamine 465 with a stop codon.
Molecular consequence: nonsense.
Genome position (GRCh38, 1-based): chr2:111,856,852, G>A on the plus strand (C>T on the coding strand, the complement: ANAPC1 is on the minus strand). VCF-style: chr2-111856852-G-A. GRCh37 (hg19) VCF-style: chr2-112614429-G-A.
Other names: short protein forms Q465*.
Identifiers: ClinVar variation 402367 (VCV000402367.7), dbSNP rs72936240, ClinGen allele CA1830505.

ClinVar aggregate classification (germline): Conflicting classifications of pathogenicity. Review status: criteria provided, conflicting classifications (1 of 4 stars). 4 submissions from 4 submitters: Pathogenic (1); Likely pathogenic (1); Benign (2). Last evaluated 2026-09-02.

Conditions:
Monogenic short stature.
Rothmund-Thomson syndrome type 1 (RTS1). Also called: POIKILODERMA ATROPHICANS AND CATARACT. Identifiers: Orphanet 221008, MedGen C5231433, MONDO:0016368, OMIM 618625.

Allele frequency attached by ClinVar (database versions not stated): ExAC 0.44259.

Submissions (4):

Cambridge Genomics Laboratory, East Genomic Laboratory Hub, NHS Genomic Medicine Service
Classification: Likely pathogenic for Monogenic short stature. Last evaluated: 2026-09-02. Review status: criteria provided, single submitter. Criteria: ACGS Best Practice Guidelines for Variant Classification in Rare Disease 2020. Collection method: clinical testing. Allele origin: germline. Affected: yes.

Women's Health and Genetics/Laboratory Corporation of America, LabCorp
Classification: Pathogenic for Rothmund-Thomson syndrome type 1. Last evaluated: 2026-05-20. Review status: criteria provided, single submitter. Criteria: LabCorp Variant Classification Summary - May 2015. Collection method: clinical testing. Allele origin: germline.
Comment: Variant summary: ANAPC1 c.1393C>T (p.Gln465X) results in a premature termination codon, predicted to cause a truncation of the encoded protein or absence of the protein due to nonsense mediated decay, which are commonly known mechanisms for disease. Loss-of-function variants in this gene are known to be pathogenic. The frequency data for this variant in gnomAD is considered unreliable, as metrics indicate poor data quality at this position. To our knowledge, no occurrence of c.1393C>T in individuals affected with ANAPC1-related conditions and no experimental evidence demonstrating its impact on protein function have been reported. ClinVar contains an entry for this variant (Variation ID: 402367). Based on the evidence outlined above, the variant was classified as pathogenic.

Laboratory for Molecular Medicine, Mass General Brigham Personalized Medicine
Classification: Benign. Last evaluated: 2016-03-29. Review status: criteria provided, single submitter. Criteria: LMM Criteria. Collection method: clinical testing. Allele origin: germline.
Comment: Variant identified in a genome or exome case(s) and assessed due to predicted null impact of the variant or pathogenic assertions in the literature or databases. Disclaimer: This variant has not undergone full assessment. The following are preliminary notes: ExAC frequency

Breakthrough Genomics
Classification: Benign. Review status: criteria provided, single submitter. Criteria: ACMG Guidelines, 2015. Collection method: not provided. Allele origin: germline. Inheritance: Autosomal recessive inheritance. Affected: yes.